The following is an entry in ClinVar:

ClinVar aggregate classification (germline): Uncertain significance. Review status: criteria provided, multiple submitters, no conflicts (2 of 4 stars). 2 submissions from 2 submitters: Uncertain significance (2). Last evaluated 2024-07-22.

Allele frequency attached by ClinVar (database versions not stated): gnomAD exomes below 0.00001; ExAC 0.00001; gnomAD 0.00001; TOPMed 0.00001.
gnomAD v4.1: 4 of 1,612,980 alleles (0.00025%); highest among the groups gnomAD compares: African/African-American, 0.004%; no homozygotes.

Submissions (2):

Women's Health and Genetics/Laboratory Corporation of America, LabCorp
Classification: Uncertain significance. Last evaluated: 2024-07-22. Review status: criteria provided, single submitter. Criteria: LabCorp Variant Classification Summary - May 2015. Collection method: clinical testing. Allele origin: germline.
Comment: Variant summary: COL11A2 c.2693G>A (p.Gly898Glu) results in a non-conservative amino acid change in the encoded protein sequence. Five of five in-silico tools predict a damaging effect of the variant on protein function. The variant allele was found at a frequency of 4.1e-06 in 244256 control chromosomes. The available data on variant occurrences in the general population are insufficient to allow any conclusion about variant significance. To our knowledge, no occurrence of c.2693G>A in individuals affected with COL11A2-Related Disorders and no experimental evidence demonstrating its impact on protein function have been reported. ClinVar contains an entry for this variant (Variation ID: 162990). Based on the evidence outlined above, the variant was classified as uncertain significance.

Laboratory for Molecular Medicine, Mass General Brigham Personalized Medicine
Classification: Uncertain significance. Last evaluated: 2014-08-21. Review status: criteria provided, single submitter. Criteria: LMM Criteria. Collection method: clinical testing. Allele origin: germline. Observed: 1 variant allele.
Comment: The Gly898Glu variant in COL11A2 has not been previously reported in individuals with hearing loss and was absent from large population studies. Computational p rediction tools and conservation analyses suggest that the Gly898Glu variant may impact the protein, though this information is not predictive enough to determi ne pathogenicity. In summary, the clinical significance of the Gly898Glu variant is uncertain.

NM_080680.3(COL11A2):c.2693G>A (p.Gly898Glu)

Gene: COL11A2 (collagen type XI alpha 2 chain; minus strand). Cytogenetic location: 6p21.32.
Variant type: single nucleotide variant.
Coding change: c.2693G>A on transcript NM_080680.3 (MANE Select); coding-DNA position 2693, G replaced by A.
Protein change: p.Gly898Glu; replaces glycine 898 with glutamic acid.
Molecular consequence: missense variant.
Genome position (GRCh38, 1-based): chr6:33,173,391, C>T on the plus strand (G>A on the coding strand, the complement: COL11A2 is on the minus strand). VCF-style: chr6-33173391-C-T. GRCh37 (hg19) VCF-style: chr6-33141168-C-T.
Other names: c.2372G>A, p.Gly791Glu (NM_080679.3); c.2435G>A, p.Gly812Glu (NM_080681.3); short protein forms G898E, G812E, G791E.
Identifiers: ClinVar variation 162990 (VCV000162990.5), dbSNP rs727502941, ClinGen allele CA175566.